The following is an entry in ClinVar:

NM_003742.4(ABCB11):c.3692G>T (p.Arg1231Leu)

Gene: ABCB11 (ATP binding cassette subfamily B member 11; minus strand). Cytogenetic location: 2q31.1.
Variant type: single nucleotide variant.
Coding change: c.3692G>T on transcript NM_003742.4 (MANE Select); coding-DNA position 3692, G replaced by T.
Protein change: p.Arg1231Leu; replaces arginine 1231 with leucine.
Molecular consequence: missense variant.
Genome position (GRCh38, 1-based): chr2:168,924,730, C>A on the plus strand (G>T on the coding strand, the complement: ABCB11 is on the minus strand). VCF-style: chr2-168924730-C-A. GRCh37 (hg19) VCF-style: chr2-169781240-C-A.
Other names: NM_003742.4:c.3692G>T; short protein forms R1231L.
Identifiers: ClinVar variation 3776891 (VCV003776891.1).

ClinVar aggregate classification (germline): Likely pathogenic (1 of 4 stars; one submission).

Conditions:
Progressive familial intrahepatic cholestasis type 2. Identifiers: Orphanet 79304, MedGen C3489789, MONDO:0011156, OMIM 601847.

gnomAD v4.1: 1 of 1,613,350 alleles (0.000062%); highest among the groups gnomAD compares: Non-Finnish European, 0.000085%; no homozygotes.

Submission:

Broad Center for Mendelian Genomics, Broad Institute of MIT and Harvard
Classification: Likely pathogenic for Progressive familial intrahepatic cholestasis type 2. Last evaluated: 2025-02-05. Review status: criteria provided, single submitter. Criteria: ACMG Guidelines, 2015. Collection method: curation. Allele origin: germline. Inheritance: Autosomal recessive inheritance.
Comment: The p.Arg1231Leu variant in ABCB11 has not been previously reported in the literature in individuals with BSEP deficiency, but has been identified in 0.00008% (1/1179716) of European (non-Finnish) chromosomes by the Genome Aggregation Database (gnomAD). Although this variant has been seen in the general population in a heterozygous state, its frequency is low enough to be consistent with a recessive carrier frequency. Computational prediction tools and conservation analyses suggest that this variant may impact the protein, though this information is not predictive enough to determine pathogenicity. Three additional pathogenic variants resulting in a different amino acid change at the same position, p.Arg1231Gln, p.Arg1231Gly, and p.Arg1231Trp, have been reported in association with disease in ClinVar, supporting that a change at this position may not be tolerated (Variation ID: 287364, 2751382, 973516). In summary, although additional studies are required to fully establish its clinical significance, this variant is likely pathogenic for autosomal recessive BSEP deficiency. ACMG/AMP Criteria applied: PM5_strong, PP3_moderate, PM2_supporting (Richards 2015).